The following is an entry in ClinVar:

NM_000443.4(ABCB4):c.258T>G (p.Val86=)

Gene: ABCB4 (ATP binding cassette subfamily B member 4; minus strand). Cytogenetic location: 7q21.12.
Variant type: single nucleotide variant.
Coding change: c.258T>G on transcript NM_000443.4 (MANE Select); coding-DNA position 258, T replaced by G.
Protein change: p.Val86=; no amino-acid change (valine 86 retained).
Molecular consequence: synonymous variant.
Genome position (GRCh38, 1-based): chr7:87,462,786, A>C on the plus strand (T>G on the coding strand, the complement: ABCB4 is on the minus strand). VCF-style: chr7-87462786-A-C. GRCh37 (hg19) VCF-style: chr7-87092102-A-C.
Other names: c.258T>G, p.Val86= (NM_018849.3, NM_018850.3).
Identifiers: ClinVar variation 4846663 (VCV004846663.1).

ClinVar aggregate classification (germline): Likely benign (1 of 4 stars; one submission).

Conditions:
Familial intrahepatic cholestasis. Identifiers: Orphanet 284385, MedGen CN296401, MONDO:0017290.
Low phospholipid associated cholelithiasis (GBD1). Also called: Gallbladder disease 1; Gallstone cholecystitis. Identifiers: Orphanet 69663, MedGen C2609268, MONDO:0010939, OMIM 600803.

Submission:

Genomenon, Inc
Classification: Likely benign for Familial intrahepatic cholestasis; Low phospholipid associated cholelithiasis. Last evaluated: 2026-04-14. Review status: criteria provided, single submitter. Criteria: Genomenon Sequence Variant Interpretation Standards - Updated. Collection method: curation. Allele origin: germline. Affected: no.
Comment: ABCB4 c.258T>G is a synonymous variant that retains Valine at residue 86. This variant has been reported in the published literature (PMID:16763017). It is absent or not present at a significant frequency in gnomAD. This synonymous variant is not predicted to impact splicing. In conclusion, we classify ABCB4 p.Val86= (c.258T>G) as a likely benign variant.

Literature cited by the submitters: PubMed 16763017.